The following is an entry in ClinVar:

NM_004360.5(CDH1):c.2566G>A (p.Asp856Asn)

Gene: CDH1 (cadherin 1; plus strand). Cytogenetic location: 16q22.1.
Variant type: single nucleotide variant.
Coding change: c.2566G>A on transcript NM_004360.5 (MANE Select); coding-DNA position 2566, G replaced by A.
Protein change: p.Asp856Asn; replaces aspartic acid 856 with asparagine.
Molecular consequence: missense variant.
Genome position (GRCh38, 1-based): chr16:68,833,416, G>A. VCF-style: chr16-68833416-G-A. GRCh37 (hg19) VCF-style: chr16-68867319-G-A.
Other names: c.2383G>A, p.Asp795Asn (NM_001317184.2); c.1018G>A, p.Asp340Asn (NM_001317185.2); c.601G>A, p.Asp201Asn (NM_001317186.2); short protein forms D340N, D856N, D201N, D795N.
Identifiers: ClinVar variation 1440561 (VCV001440561.12), dbSNP rs2152144092, ClinGen allele CA396472476.

ClinVar aggregate classification (germline): Uncertain significance. Review status: criteria provided, multiple submitters, no conflicts (2 of 4 stars). 3 submissions from 3 submitters: Uncertain significance (3). Last evaluated 2024-12-24.

Conditions:
Hereditary cancer-predisposing syndrome. Also called: Neoplastic Syndromes, Hereditary; Hereditary Cancer Syndrome; Tumor predisposition; Hereditary neoplastic syndrome. Identifiers: Orphanet 140162, MedGen C0027672, MeSH D009386, MONDO:0015356.
Hereditary diffuse gastric adenocarcinoma (HDGC). Also called: DIFFUSE GASTRIC AND LOBULAR BREAST CANCER SYNDROME. Identifiers: Orphanet 26106, MedGen C1708349, MONDO:0007648, OMIM 137215.

gnomAD v4.1: 1 of 1,614,192 alleles (0.000062%); highest among the groups gnomAD compares: Non-Finnish European, 0.000085%; no homozygotes.

Submissions (3):

Ambry Genetics
Classification: Uncertain significance for Hereditary cancer-predisposing syndrome. Last evaluated: 2024-12-24. Review status: criteria provided, single submitter. Criteria: Ambry Variant Classification Scheme 2023. Collection method: clinical testing. Allele origin: germline.
Comment: The p.D856N variant (also known as c.2566G>A), located in coding exon 16 of the CDH1 gene, results from a G to A substitution at nucleotide position 2566. The aspartic acid at codon 856 is replaced by asparagine, an amino acid with highly similar properties. This amino acid position is highly conserved in available vertebrate species. In addition, this alteration is predicted to be tolerated by in silico analysis. Based on the available evidence, the clinical significance of this variant remains unclear.

Women's Health and Genetics/Laboratory Corporation of America, LabCorp
Classification: Uncertain significance. Last evaluated: 2023-12-11. Review status: criteria provided, single submitter. Criteria: LabCorp Variant Classification Summary - May 2015. Collection method: clinical testing. Allele origin: germline.
Comment: Variant summary: CDH1 c.2566G>A (p.Asp856Asn) results in a conservative amino acid change located in the Cadherin, Y-type LIR-motif domain (IPR000233) of the encoded protein sequence. Four of five in-silico tools predict a damaging effect of the variant on protein function. The variant was absent in 251486 control chromosomes (gnomAD). The available data on variant occurrences in the general population are insufficient to allow any conclusion about variant significance. To our knowledge, no occurrence of c.2566G>A in individuals affected with Breast Cancer and no experimental evidence demonstrating its impact on protein function have been reported. Two submitters have cited clinical-significance assessments for this variant to ClinVar after 2014. All submitters classified the variant as uncertain significance. Based on the evidence outlined above, the variant was classified as uncertain significance.

Labcorp Genetics (formerly Invitae), Labcorp
Classification: Uncertain significance for Hereditary diffuse gastric adenocarcinoma. Last evaluated: 2021-04-01. Review status: criteria provided, single submitter. Criteria: Invitae Variant Classification Sherloc (09022015). Collection method: clinical testing. Allele origin: germline.
Comment: This variant is not present in population databases (ExAC no frequency). This sequence change replaces aspartic acid with asparagine at codon 856 of the CDH1 protein (p.Asp856Asn). The aspartic acid residue is highly conserved and there is a small physicochemical difference between aspartic acid and asparagine. Algorithms developed to predict the effect of missense changes on protein structure and function are either unavailable or do not agree on the potential impact of this missense change (SIFT: "Deleterious"; PolyPhen-2: "Possibly Damaging"; Align-GVGD: "Class C0"). This variant has not been reported in the literature in individuals with CDH1-related conditions. In summary, the available evidence is currently insufficient to determine the role of this variant in disease. Therefore, it has been classified as a Variant of Uncertain Significance.